The following is an entry in ClinVar:

NM_024675.4(PALB2):c.3350+2C>T

Gene: PALB2 (partner and localizer of BRCA2; minus strand). Cytogenetic location: 16p12.2.
Variant type: single nucleotide variant.
Coding change: c.3350+2C>T on transcript NM_024675.4 (MANE Select); the canonical splice donor site of the intron after coding-DNA position 3350, C replaced by T.
Molecular consequence: splice donor variant. On other transcripts: intron variant (8).
Genome position (GRCh38, 1-based): chr16:23,607,862, G>A on the plus strand (C>T on the coding strand, the complement: PALB2 is on the minus strand). VCF-style: chr16-23607862-G-A. GRCh37 (hg19) VCF-style: chr16-23619183-G-A.
Other names: c.2229-4193C>T (NM_001407308.1, NM_001407309.1); c.2465+2C>T (NM_001407306.1, NM_001407305.1, NM_001407304.1); c.884+2C>T (NM_001407314.1); c.1414-4193C>T (NM_001407313.1); c.1562+2C>T (NM_001407312.1); c.3290+2C>T (NM_001407296.1); c.3278+2C>T (NM_001407297.1); c.3040-4193C>T (NM_001407302.1); and 6 more.
Identifiers: ClinVar variation 1730510 (VCV001730510.3), dbSNP rs1555458171, ClinGen allele CA395139174.

ClinVar aggregate classification (germline): Conflicting classifications of pathogenicity. Review status: criteria provided, conflicting classifications (1 of 4 stars). 2 submissions from 2 submitters: Uncertain significance (1); Likely benign (1). Last evaluated 2026-02-20.

Conditions:
Hereditary cancer-predisposing syndrome. Also called: Tumor predisposition; Hereditary Cancer Syndrome; Hereditary neoplastic syndrome; Neoplastic Syndromes, Hereditary. Identifiers: Orphanet 140162, MedGen C0027672, MeSH D009386, MONDO:0015356.
Familial cancer of breast. Also called: BREAST CANCER, FAMILIAL; Hereditary breast cancer; hereditary breast carcinoma. Identifiers: Orphanet 227535, MedGen C0346153, MONDO:0016419, OMIM 114480. Disease mechanism: loss of function.

Submissions (2):

Ambry Genetics
Classification: Uncertain significance for Hereditary cancer-predisposing syndrome. Last evaluated: 2026-02-20. Review status: criteria provided, single submitter. Criteria: Ambry Variant Classification Scheme 2023. Collection method: clinical testing. Allele origin: germline.
Comment: The c.3350+2C>T intronic variant results from a C to T substitution two nucleotides after coding exon 12 in the PALB2 gene. This nucleotide position is well conserved in available vertebrate species. In silico splice site analysis predicts that this alteration will not have any significant effect on splicing. Based on the available evidence, the clinical significance of this variant remains unclear.

Myriad Genetics, Inc.
Classification: Likely benign for Familial cancer of breast. Last evaluated: 2023-12-19. Review status: criteria provided, single submitter. Criteria: Myriad Autosomal Dominant, Autosomal Recessive and X-Linked Classification Criteria (2023). Collection method: clinical testing. Allele origin: unknown.
Comment: This variant is considered likely benign. Although this variant occurs at the canonical splice site, it changes the splice site to consensus and is not expected to impact RNA splicing.